The following is an entry in ClinVar:

NM_000020.3(ACVRL1):c.1416G>A (p.Trp472Ter)

Gene: ACVRL1 (activin A receptor like type 1; plus strand). Cytogenetic location: 12q13.13.
Variant type: single nucleotide variant.
Coding change: c.1416G>A on transcript NM_000020.3 (MANE Select); coding-DNA position 1416, G replaced by A.
Protein change: p.Trp472Ter; replaces tryptophan 472 with a stop codon.
Molecular consequence: nonsense.
Genome position (GRCh38, 1-based): chr12:51,920,797, G>A. VCF-style: chr12-51920797-G-A. GRCh37 (hg19) VCF-style: chr12-52314581-G-A.
Other names: c.1416G>A, p.Trp472Ter (NM_001077401.2, NM_001406487.1); c.1260G>A, p.Trp420Ter (NM_001406490.1); c.1104G>A, p.Trp368Ter (NM_001406491.1, NM_001406492.1); c.906G>A, p.Trp302Ter (NM_001406494.1); c.852G>A, p.Trp284Ter (NM_001406495.1); short protein forms W368*, W420*, W472*, W284*, W302*.
Identifiers: ClinVar variation 1772142 (VCV001772142.5), dbSNP rs1060503243, ClinGen allele CA384905514.

ClinVar aggregate classification (germline): Pathogenic. Review status: criteria provided, multiple submitters, no conflicts (2 of 4 stars). 2 submissions from 2 submitters: Pathogenic (2). Last evaluated 2024-10-10.

Conditions:
Cardiovascular phenotype. Identifiers: MedGen CN230736.
Telangiectasia, hereditary hemorrhagic, type 2 (HHT2). Also called: ACVRL1-Related Hereditary Hemorrhagic Telangiectasia; Telangiectasia, hereditary hemorrhagic, type II. Identifiers: Orphanet 774, MedGen C1838163, MONDO:0010880, OMIM 600376. Disease mechanism: loss of function.

Submissions (2):

Labcorp Genetics (formerly Invitae), Labcorp
Classification: Pathogenic for Telangiectasia, hereditary hemorrhagic, type 2. Last evaluated: 2024-10-10. Review status: criteria provided, single submitter. Criteria: Invitae Variant Classification Sherloc (09022015). Collection method: clinical testing. Allele origin: germline.
Comment: This sequence change creates a premature translational stop signal (p.Trp472*) in the ACVRL1 gene. While this is not anticipated to result in nonsense mediated decay, it is expected to disrupt the last 32 amino acid(s) of the ACVRL1 protein. This variant is not present in population databases (gnomAD no frequency). This premature translational stop signal has been observed in individual(s) with cirrhosis and hereditary hemorrhagic telangiectasia (PMID: 33754658). ClinVar contains an entry for this variant (Variation ID: 1772142). Algorithms developed to predict the effect of sequence changes on RNA splicing suggest that this variant may disrupt the consensus splice site. This variant disrupts a region of the ACVRL1 protein in which other variant(s) (p.Arg479Pro) have been determined to be pathogenic (PMID: 19555857, 20414677, 21158752, 29449337). This suggests that this is a clinically significant region of the protein, and that variants that disrupt it are likely to be disease-causing. For these reasons, this variant has been classified as Pathogenic.

Ambry Genetics
Classification: Pathogenic for Cardiovascular phenotype. Last evaluated: 2020-02-28. Review status: criteria provided, single submitter. Criteria: Ambry Variant Classification Scheme 2023. Collection method: clinical testing. Allele origin: germline.
Comment: The p.W472* pathogenic mutation (also known as c.1416G>A), located in coding exon 9 of the ACVRL1 gene, results from a G to A substitution at nucleotide position 1416. This stop codon occurs at the 3' terminus of ACVRL1, impacts the last thirty-two amino acids of the protein, and is not expected not trigger nonsense-mediated mRNA decay. Multiple disease-causing variants, including other truncating variants, have been reported downstream of this alteration (Lesca et al. Hum Mutat. 2004;23:289-299; Gedge F et al. J Mol Diagn. 2007 Apr;9(2):258-65; Trembath RC et al. N. Engl. J. Med., 2001 Aug;345:325-34; T&oslash;rring PM et al. Clin. Genet., 2014 Aug;86:123-33; Bayrak-Toydemir P et al. Am. J. Med. Genet. A, 2006 Mar;140:463-70; Lesca G et al. Hum. Mutat., 2006 Jun;27:598). This alteration is expected to result in loss of function by premature protein truncation. As such, this alteration is interpreted as a disease-causing mutation.

Literature cited by the submitters: PubMed 33754658 (cited by Labcorp Genetics (formerly Invitae), Labcorp); PubMed 19555857 (cited by Labcorp Genetics (formerly Invitae), Labcorp); PubMed 20414677 (cited by Labcorp Genetics (formerly Invitae), Labcorp); PubMed 21158752 (cited by Labcorp Genetics (formerly Invitae), Labcorp); PubMed 29449337 (cited by Labcorp Genetics (formerly Invitae), Labcorp); PubMed 11484689 (cited by Ambry Genetics); PubMed 15024723 (cited by Ambry Genetics); PubMed 16470787 (cited by Ambry Genetics); PubMed 16705692 (cited by Ambry Genetics); PubMed 17384219 (cited by Ambry Genetics); PubMed 24001356 (cited by Ambry Genetics).